The following is an entry in ClinVar:

NM_003059.3(SLC22A4):c.338G>A (p.Cys113Tyr)

Gene: SLC22A4 (solute carrier family 22 member 4; plus strand). Cytogenetic location: 5q31.1.
Variant type: single nucleotide variant.
Coding change: c.338G>A on transcript NM_003059.3 (MANE Select); coding-DNA position 338, G replaced by A.
Protein change: p.Cys113Tyr; replaces cysteine 113 with tyrosine.
Molecular consequence: missense variant.
Genome position (GRCh38, 1-based): chr5:132,294,954, G>A. VCF-style: chr5-132294954-G-A. GRCh37 (hg19) VCF-style: chr5-131630647-G-A.
Other names: short protein forms C113Y.
Identifiers: ClinVar variation 988885 (VCV000988885.10), dbSNP rs768484124, ClinGen allele CA3403344.

ClinVar aggregate classification (germline): Uncertain significance. Review status: criteria provided, single submitter (1 of 4 stars). 2 submissions from 2 submitters: Uncertain significance (1). 1 of the submissions does not count toward it. Last evaluated 2025-10-03.

Conditions:
Genetic hearing loss. Also called: Hereditary hearing loss; Hereditary hearing disorder. Identifiers: MedGen C0236038.

Allele frequency attached by ClinVar (database versions not stated): ExAC 0.00005; gnomAD 0.00002; gnomAD exomes 0.00002 and 0.00001; TOPMed 0.00006.
gnomAD v4.1: 23 of 1,605,568 alleles (0.0014%); highest among the groups gnomAD compares: Middle Eastern, 0.016%; no homozygotes.

Submissions (2):

Labcorp Genetics (formerly Invitae), Labcorp
Classification: Uncertain significance. Last evaluated: 2025-10-03. Review status: criteria provided, single submitter. Criteria: Invitae Variant Classification Sherloc (09022015). Collection method: clinical testing. Allele origin: germline.
Comment: This sequence change replaces cysteine, which is neutral and slightly polar, with tyrosine, which is neutral and polar, at codon 113 of the SLC22A4 protein (p.Cys113Tyr). This variant is present in population databases (rs768484124, gnomAD 0.009%). This missense change has been observed in individual(s) with deafness (PMID: 27023905, 33643381, 34194829). ClinVar contains an entry for this variant (Variation ID: 988885). Invitae Evidence Modeling of protein sequence and biophysical properties (such as structural, functional, and spatial information, amino acid conservation, physicochemical variation, residue mobility, and thermodynamic stability) indicates that this missense variant is expected to disrupt SLC22A4 protein function with a positive predictive value of 80%. Experimental studies have shown that this missense change affects SLC22A4 function (PMID: 27023905). In summary, the available evidence is currently insufficient to determine the role of this variant in disease. Therefore, it has been classified as a Variant of Uncertain Significance.

Molecular Genetics and RNA Biology, Humanitas University
Classification: Likely pathogenic for Hereditary hearing loss and deafness. Last evaluated: 2020-12-10. Review status: no assertion criteria provided. Collection method: research. Allele origin: germline. Affected: yes and no. Observed: 11 variant alleles. Not counted in ClinVar's aggregate classification.

Literature cited by the submitters: PubMed 27023905 (cited by Labcorp Genetics (formerly Invitae), Labcorp and Molecular Genetics and RNA Biology, Humanitas University); PubMed 33643381 (cited by Labcorp Genetics (formerly Invitae), Labcorp); PubMed 34194829 (cited by Labcorp Genetics (formerly Invitae), Labcorp).